The following is an entry in ClinVar:

NM_032520.5(GNPTG):c.242A>C (p.Tyr81Ser)

Gene: GNPTG (N-acetylglucosamine-1-phosphate transferase subunit gamma; plus strand). Cytogenetic location: 16p13.3.
Variant type: single nucleotide variant.
Coding change: c.242A>C on transcript NM_032520.5 (MANE Select); coding-DNA position 242, A replaced by C.
Protein change: p.Tyr81Ser; replaces tyrosine 81 with serine.
Molecular consequence: missense variant.
Genome position (GRCh38, 1-based): chr16:1,361,880, A>C. VCF-style: chr16-1361880-A-C. GRCh37 (hg19) VCF-style: chr16-1411881-A-C.
Other names: c.242A>C (NM_032520.4); short protein forms Y81S.
Identifiers: ClinVar variation 2133511 (VCV002133511.5), dbSNP rs779778381, ClinGen allele CA394186769.

ClinVar aggregate classification (germline): Uncertain significance. Review status: criteria provided, multiple submitters, no conflicts (2 of 4 stars). 2 submissions from 2 submitters: Uncertain significance (2). Last evaluated 2025-12-10.

Conditions:
Inborn genetic diseases. Identifiers: MedGen C0950123, MeSH D030342.

Allele frequency attached by ClinVar (database versions not stated): TOPMed below 0.00001; gnomAD 0.00001.
gnomAD v4.1: 2 of 1,613,578 alleles (0.00012%); highest among the groups gnomAD compares: African/African-American, 0.0013%; no homozygotes.

Submissions (2):

Ambry Genetics
Classification: Uncertain significance for Inborn genetic diseases. Last evaluated: 2025-12-10. Review status: criteria provided, single submitter. Criteria: Ambry Variant Classification Scheme 2023. Collection method: clinical testing. Allele origin: germline.

Labcorp Genetics (formerly Invitae), Labcorp
Classification: Uncertain significance. Last evaluated: 2024-02-05. Review status: criteria provided, single submitter. Criteria: Invitae Variant Classification Sherloc (09022015). Collection method: clinical testing. Allele origin: germline.
Comment: This sequence change replaces tyrosine, which is neutral and polar, with serine, which is neutral and polar, at codon 81 of the GNPTG protein (p.Tyr81Ser). This variant is not present in population databases (gnomAD no frequency). This variant has not been reported in the literature in individuals affected with GNPTG-related conditions. ClinVar contains an entry for this variant (Variation ID: 2133511). Advanced modeling of protein sequence and biophysical properties (such as structural, functional, and spatial information, amino acid conservation, physicochemical variation, residue mobility, and thermodynamic stability) performed at Invitae indicates that this missense variant is expected to disrupt GNPTG protein function with a positive predictive value of 80%. In summary, the available evidence is currently insufficient to determine the role of this variant in disease. Therefore, it has been classified as a Variant of Uncertain Significance.